The following is an entry in ClinVar:

NM_198578.4(LRRK2):c.4271G>T (p.Gly1424Val)

Gene: LRRK2 (leucine rich repeat kinase 2; plus strand). Cytogenetic location: 12q12.
Variant type: single nucleotide variant.
Coding change: c.4271G>T on transcript NM_198578.4 (MANE Select); coding-DNA position 4271, G replaced by T.
Protein change: p.Gly1424Val; replaces glycine 1424 with valine.
Molecular consequence: missense variant.
Genome position (GRCh38, 1-based): chr12:40,309,187, G>T. VCF-style: chr12-40309187-G-T. GRCh37 (hg19) VCF-style: chr12-40702989-G-T.
Other names: short protein forms G1424V.
Identifiers: ClinVar variation 2624895 (VCV002624895.2), dbSNP rs2499818314, ClinGen allele CA384418137.
Genomic context (GRCh38, chr12:40,309,187, plus strand): 5'-CTCATCCCCATTTTATGACGCAGCGAGCATTGTACCTTGCTGTCTATGACCTCAGCAAGG[G>T]ACAGGCTGAAGTTGATGCCATGAAGCCTTGGCTCTTCAATATAAAGGTGATTTGTTCTGA-3'
Protein context (NP_940980.4, residues 1414-1434): LYLAVYDLSK[Gly1424Val]QAEVDAMKPW

ClinVar aggregate classification (germline): Uncertain significance (1 of 4 stars; one submission).

Conditions:
Inborn genetic diseases. Identifiers: MedGen C0950123, MeSH D030342.

Submission:

Ambry Genetics
Classification: Uncertain significance for Inborn genetic diseases. Last evaluated: 2023-07-29. Review status: criteria provided, single submitter. Criteria: Ambry Variant Classification Scheme 2023. Collection method: clinical testing. Allele origin: germline.
Comment: The p.G1424V variant (also known as c.4271G>T), located in coding exon 30 of the LRRK2 gene, results from a G to T substitution at nucleotide position 4271. The glycine at codon 1424 is replaced by valine, an amino acid with dissimilar properties. This amino acid position is conserved. In addition, this alteration is predicted to be deleterious by in silico analysis. Since supporting evidence is limited at this time, the clinical significance of this alteration remains unclear.